The following is an entry in ClinVar:

NM_007294.4(BRCA1):c.2765C>G (p.Thr922Arg)

Gene: BRCA1 (BRCA1 DNA repair associated; minus strand). Cytogenetic location: 17q21.31.
Variant type: single nucleotide variant.
Coding change: c.2765C>G on transcript NM_007294.4 (MANE Select); coding-DNA position 2765, C replaced by G.
Protein change: p.Thr922Arg; replaces threonine 922 with arginine.
Molecular consequence: missense variant. On other transcripts: intron variant (137).
Genome position (GRCh38, 1-based): chr17:43,092,766, G>C on the plus strand (C>G on the coding strand, the complement: BRCA1 is on the minus strand). VCF-style: chr17-43092766-G-C. GRCh37 (hg19) VCF-style: chr17-41244783-G-C.
Other names: c.2687C>G, p.Thr896Arg (NM_001407656.1, NM_001407657.1, NM_001407658.1 and 4 more transcripts); c.2684C>G, p.Thr895Arg (NM_001407659.1, NM_001407660.1, NM_001407661.1 and 1 more transcripts); c.2642C>G, p.Thr881Arg (NM_001407664.1, NM_001407665.1, NM_001407666.1 and 19 more transcripts); c.2639C>G, p.Thr880Arg (NM_001407670.1, NM_001407671.1, NM_001407672.1 and 11 more transcripts); c.2765C>G, p.Thr922Arg (NM_001407684.1, NM_001407854.1, NM_001407858.1 and 30 more transcripts); c.2624C>G, p.Thr875Arg (NM_001407692.1, NM_001407694.1, NM_001407695.1 and 29 more transcripts); c.2621C>G, p.Thr874Arg (NM_001407740.1, NM_001407741.1, NM_001407742.1 and 20 more transcripts); c.2552C>G, p.Thr851Arg (NM_001407853.1, NM_001407894.1, NM_001407895.1 and 9 more transcripts); and 41 more; short protein forms T922R, T875R, T754R, T833R, T834R, T852R, T895R, T919R.
Identifiers: ClinVar variation 54676 (VCV000054676.26), dbSNP rs80357460, ClinGen allele CA001821.

ClinVar aggregate classification (germline): Conflicting classifications of pathogenicity. Review status: criteria provided, conflicting classifications (1 of 4 stars). 8 submissions from 8 submitters: Uncertain significance (4); Likely benign (3). 1 of the submissions does not count toward it. Last evaluated 2025-09-04.

Conditions:
BRCA1-related cancer predisposition. Identifiers: MedGen CN377757, MONDO:0700268.
Hereditary cancer-predisposing syndrome. Also called: Tumor predisposition; Neoplastic Syndromes, Hereditary; Hereditary Cancer Syndrome; Hereditary neoplastic syndrome. Identifiers: Orphanet 140162, MedGen C0027672, MeSH D009386, MONDO:0015356.
Hereditary breast ovarian cancer syndrome. Also called: Hereditary breast and ovarian cancer syndrome (HBOC); Hereditary breast and ovarian cancer syndrome; Hereditary breast and ovarian cancer; Hereditary breast and/or ovarian cancer syndrome; Breast and ovarian cancer; BRCA1- and BRCA2-Associated Hereditary Breast and Ovarian Cancer. Identifiers: Orphanet 145, MedGen C0677776, MeSH D061325, MONDO:0003582. Disease mechanism: loss of function.
Breast-ovarian cancer, familial, susceptibility to, 1 (BROVCA1). Also called: OVARIAN CANCER, SUSCEPTIBILITY TO; BRCA1 Hereditary Breast and Ovarian Cancer. Identifiers: Orphanet 145, MedGen C2676676, MONDO:0011450, OMIM 604370. Disease mechanism: loss of function.
Familial cancer of breast. Also called: Hereditary breast cancer; hereditary breast carcinoma; BREAST CANCER, FAMILIAL. Identifiers: Orphanet 227535, MedGen C0346153, MONDO:0016419, OMIM 114480. Disease mechanism: loss of function.

Allele frequency attached by ClinVar (database versions not stated): gnomAD exomes below 0.00001; TOPMed below 0.00001; gnomAD 0.00001.
gnomAD v4.1: 4 of 1,613,908 alleles (0.00025%); highest among the groups gnomAD compares: Non-Finnish European, 0.00034%; no homozygotes.

Submissions (8):

Color Diagnostics, LLC DBA Color Health
Classification: Uncertain significance for Hereditary cancer-predisposing syndrome. Last evaluated: 2025-09-04. Review status: criteria provided, single submitter. Criteria: ACMG Guidelines, 2015. Collection method: clinical testing. Allele origin: germline.
Comment: This missense variant replaces threonine with arginine at codon 922 of the BRCA1 protein. Computational prediction suggests that this variant may not impact protein structure and function. To our knowledge, functional studies have not been reported for this variant. This variant has been reported in an individual affected with breast cancer and a suspected hereditary breast and ovarian cancer family (PMID: 31159747, 32658311). A multifactorial analysis has reached a combined likelihood ratio (LR) of 1.662 based on reported LR for co-occurrence with a pathogenic variant and personal and family history for 4 carriers (PMID: 31131967, 31853058). This variant has been identified in 1/250956 chromosomes in the general population by the Genome Aggregation Database (gnomAD). The available evidence is insufficient to determine the role of this variant in disease conclusively. Therefore, this variant is classified as a Variant of Uncertain Significance.

Ambry Genetics
Classification: Uncertain significance for Hereditary cancer-predisposing syndrome. Last evaluated: 2024-12-12. Review status: criteria provided, single submitter. Criteria: Ambry Variant Classification Scheme 2023. Collection method: clinical testing. Allele origin: germline.
Comment: The p.T922R variant (also known as c.2765C>G), located in coding exon 9 of the BRCA1 gene, results from a C to G substitution at nucleotide position 2765. The threonine at codon 922 is replaced by arginine, an amino acid with similar properties. This alteration has been reported in 1/1197 individuals from Greece, Romania, and Turkey undergoing evaluation for inherited cancer predisposition (Tsaousis GN et al. BMC Cancer, 2019 Jun;19:535). This alteration was also seen in 1/732 breast cancer patients, 0/189 colorectal cancer patients and 0/490 cancer-free elderly controls in a Turkish population (Akcay IM et al. Int J Cancer, 2021 01;148:285-295). This amino acid position is poorly conserved in available vertebrate species. In addition, the in silico prediction for this alteration is inconclusive. Based on the available evidence, the clinical significance of this variant remains unclear.

All of Us Research Program, National Institutes of Health
Classification: Uncertain significance for BRCA1-related cancer predisposition. Last evaluated: 2024-09-23. Review status: criteria provided, single submitter. Criteria: ACMG Guidelines, 2015. Collection method: clinical testing. Allele origin: germline. Inheritance: Autosomal dominant inheritance. Observed: 5 variant alleles, 5 heterozygotes.
Comment: This missense variant replaces threonine with arginine at codon 922 of the BRCA1 protein. Computational prediction suggests that this variant may not impact protein structure and function (internally defined REVEL score threshold <= 0.5, PMID: 27666373). To our knowledge, functional studies have not been reported for this variant. This variant has been reported in an individual affected with breast cancer and a suspected hereditary breast and ovarian cancer family (PMID: 31159747, 32658311). A multifactorial analysis has reported likelihood ratios for pathogenicity of 0.9, 1.0673 and 0.2921 based on tumor pathology, co-occurrence with a pathogenic variant and family history, respectively (PMID: 31131967). This variant has been identified in 1/250956 chromosomes in the general population by the Genome Aggregation Database (gnomAD). The available evidence is insufficient to determine the role of this variant in disease conclusively. Therefore, this variant is classified as a Variant of Uncertain Significance.

This study involves interpretation of variants in research participants for the purpose of population health screening. Participant phenotype was not available at the time of variant classification. Additional details can be found in publication PMID: 35346344, PMCID: PMC8962531

Labcorp Genetics (formerly Invitae), Labcorp
Classification: Likely benign for Hereditary breast ovarian cancer syndrome. Last evaluated: 2024-07-11. Review status: criteria provided, single submitter. Criteria: Invitae Variant Classification Sherloc (09022015). Collection method: clinical testing. Allele origin: germline.

MGZ Medical Genetics Center
Classification: Likely benign for Familial cancer of breast. Last evaluated: 2024-02-09. Review status: criteria provided, single submitter. Criteria: CSpec BRCA1/2ACMG Rules Specifications V1.1.0. Collection method: clinical testing. Allele origin: germline. Affected: yes.
Comment: ACMG codes applied following ENIGMA VCEP rules: BP1_STR, BP5_SUP

University of Washington Department of Laboratory Medicine, University of Washington
Classification: Likely benign for Hereditary cancer-predisposing syndrome. Last evaluated: 2023-03-23. Review status: criteria provided, single submitter. Criteria: Dines et al. (Genet Med. 2020). Collection method: curation. Allele origin: germline.
Comment: Missense variant in a coldspot region where missense variants are very unlikely to be pathogenic (PMID:31911673).

BRCA1 coldspot (exon 11 using historical exon numbering). Reclassification based on statistical prior probability

GeneKor MSA
Classification: Uncertain significance for Hereditary cancer-predisposing syndrome. Last evaluated: 2018-08-01. Review status: criteria provided, single submitter. Criteria: ACMG Guidelines, 2015. Collection method: clinical testing. Allele origin: germline. Affected: yes.

Breast Cancer Information Core (BIC) (BRCA1)
Classification: Uncertain significance for Breast-ovarian cancer, familial 1. Last evaluated: 2004-11-25. Review status: no assertion criteria provided. Collection method: clinical testing. Allele origin: germline. Affected: yes. Observed: 2 variant alleles. Not counted in ClinVar's aggregate classification.

Literature cited by the submitters: PubMed 31131967 (cited by Color Diagnostics, LLC DBA Color Health and All of Us Research Program, National Institutes of Health); PubMed 31159747 (cited by 3 submitters); PubMed 31853058 (cited by Color Diagnostics, LLC DBA Color Health); PubMed 32658311 (cited by 3 submitters).